The following is an entry in ClinVar:

NM_002495.4(NDUFS4):c.393dup (p.Glu132fs)

Gene: NDUFS4 (NADH:ubiquinone oxidoreductase subunit S4; plus strand). Cytogenetic location: 5q11.2.
Variant type: Duplication.
Coding change: c.393dup on transcript NM_002495.4 (MANE Select); coding-DNA position 393, one base duplicated (A; older notation c.393dupA).
Protein change: p.Glu132fs; shifts the reading frame from glutamic acid 132.
Molecular consequence: frameshift variant. On other transcripts: non-coding transcript variant (3), intron variant (1).
Genome position (GRCh38, 1-based): chr5:53,658,593, A duplicated; the last of 3 consecutive A bases (chr5:53,658,591-53,658,593); duplicating any one gives the same sequence. VCF-style (leftmost placement, unchanged base first): chr5-53658590-T-TA. GRCh37 (hg19) VCF-style: chr5-52954420-T-TA.
Other names: c.350+12188dup (NM_001318051.2); short protein forms E132fs.
Identifiers: ClinVar variation 2203649 (VCV002203649.5), dbSNP rs2478815137, ClinGen allele CA913185998.

ClinVar aggregate classification (germline): Pathogenic. Review status: criteria provided, multiple submitters, no conflicts (2 of 4 stars). 2 submissions from 2 submitters: Pathogenic (2). Last evaluated 2026-01-21.

Conditions:
Mitochondrial complex I deficiency, nuclear type 1. Also called: NADH-COENZYME Q REDUCTASE DEFICIENCY; MITOCHONDRIAL NADH DEHYDROGENASE COMPONENT OF COMPLEX I, DEFICIENCY OF. Identifiers: MedGen C6022305, MONDO:0100224, OMIM 252010.

Submissions (2):

Labcorp Genetics (formerly Invitae), Labcorp
Classification: Pathogenic. Last evaluated: 2026-01-21. Review status: criteria provided, single submitter. Criteria: Invitae Variant Classification Sherloc (09022015). Collection method: clinical testing. Allele origin: germline.
Comment: This sequence change creates a premature translational stop signal (p.Glu132Argfs*15) in the NDUFS4 gene. While this is not anticipated to result in nonsense mediated decay, it is expected to disrupt the last 44 amino acid(s) of the NDUFS4 protein. This variant is not present in population databases (gnomAD no frequency). This premature translational stop signal has been observed in individual(s) with Leigh disease (PMID: 27671926). It has also been observed to segregate with disease in related individuals. ClinVar contains an entry for this variant (Variation ID: 2203649). For these reasons, this variant has been classified as Pathogenic.

Baylor Genetics
Classification: Pathogenic for Mitochondrial complex I deficiency, nuclear type 1. Last evaluated: 2021-11-18. Review status: criteria provided, single submitter. Criteria: ACMG Guidelines, 2015. Collection method: clinical testing. Allele origin: unknown.

Literature cited by the submitters: PubMed 27671926 (cited by Labcorp Genetics (formerly Invitae), Labcorp).